The following is an entry in ClinVar:

ClinVar aggregate classification (germline): Pathogenic (1 of 4 stars; one submission).

Conditions:
Heritable pulmonary arterial hypertension. Identifiers: Orphanet 275777, MedGen C0340543, MONDO:0017148.

Submission:

Clinical Genetics Laboratory, Skane University Hospital Lund
Classification: Pathogenic for Heritable pulmonary arterial hypertension. Last evaluated: 2026-07-23. Review status: criteria provided, single submitter. Criteria: ACMG Guidelines, 2015. Collection method: clinical testing. Allele origin: germline. Affected: yes.
Comment: PVS1, PM2_Supporting, PP1

NM_001204.7(BMPR2):c.2470C>T (p.Gln824Ter)

Gene: BMPR2 (bone morphogenetic protein receptor type 2; plus strand). Cytogenetic location: 2q33.2.
Variant type: single nucleotide variant.
Coding change: c.2470C>T on transcript NM_001204.7 (MANE Select); coding-DNA position 2470, C replaced by T.
Protein change: p.Gln824Ter; replaces glutamine 824 with a stop codon.
Molecular consequence: nonsense.
Genome position (GRCh38, 1-based): chr2:202,556,135, C>T. VCF-style: chr2-202556135-C-T. GRCh37 (hg19) VCF-style: chr2-203420858-C-T.
Other names: short protein forms Q824*.
Identifiers: ClinVar variation 4890894 (VCV004890894.1).